The following is an entry in ClinVar:

NM_000368.5(TSC1):c.2474A>G (p.Glu825Gly)

Gene: TSC1 (TSC complex subunit 1; minus strand). Cytogenetic location: 9q34.13.
Variant type: single nucleotide variant.
Coding change: c.2474A>G on transcript NM_000368.5 (MANE Select); coding-DNA position 2474, A replaced by G.
Protein change: p.Glu825Gly; replaces glutamic acid 825 with glycine.
Molecular consequence: missense variant. On other transcripts: non-coding transcript variant (5), intron variant (8).
Genome position (GRCh38, 1-based): chr9:132,901,617, T>C on the plus strand (A>G on the coding strand, the complement: TSC1 is on the minus strand). VCF-style: chr9-132901617-T-C. GRCh37 (hg19) VCF-style: chr9-135777004-T-C.
Other names: c.2471A>G, p.Glu824Gly (NM_001162426.2, NM_001406597.1, NM_001406598.1 and 2 more transcripts); c.2321A>G, p.Glu774Gly (NM_001162427.2, NM_001406610.1); c.2111A>G, p.Glu704Gly (NM_001362177.2, NM_001406614.1, NM_001406615.1 and 4 more transcripts); c.2474A>G, p.Glu825Gly (NM_001406592.1, NM_001406593.1, NM_001406594.1 and 2 more transcripts); c.2459A>G, p.Glu820Gly (NM_001406601.1, NM_001406602.1); c.2456A>G, p.Glu819Gly (NM_001406603.1, NM_001406604.1); c.2318A>G, p.Glu773Gly (NM_001406611.1, NM_001406612.1); c.2108A>G, p.Glu703Gly (NM_001406620.1, NM_001406621.1, NM_001406622.1 and 1 more transcripts); and 8 more; short protein forms E508G, E773G, E774G, E820G, E824G, E507G, E704G, E819G.
Identifiers: ClinVar variation 2447880 (VCV002447880.2), dbSNP rs2131704430, ClinGen allele CA375358297.

ClinVar aggregate classification (germline): Uncertain significance (1 of 4 stars; one submission).

Conditions:
Hereditary cancer-predisposing syndrome. Also called: Neoplastic Syndromes, Hereditary; Hereditary Cancer Syndrome; Tumor predisposition; Hereditary neoplastic syndrome. Identifiers: Orphanet 140162, MedGen C0027672, MeSH D009386, MONDO:0015356.

Allele frequency attached by ClinVar (database versions not stated): gnomAD exomes below 0.00001.
gnomAD v4.1: 2 of 1,614,180 alleles (0.00012%); highest among the groups gnomAD compares: Non-Finnish European, 0.000085%; no homozygotes.

Submission:

Ambry Genetics
Classification: Uncertain significance for Hereditary cancer-predisposing syndrome. Last evaluated: 2023-01-01. Review status: criteria provided, single submitter. Criteria: Ambry Variant Classification Scheme 2023. Collection method: clinical testing. Allele origin: germline.
Comment: The p.E825G variant (also known as c.2474A>G), located in coding exon 17 of the TSC1 gene, results from an A to G substitution at nucleotide position 2474. The glutamic acid at codon 825 is replaced by glycine, an amino acid with similar properties. This amino acid position is conserved. In addition, this alteration is predicted to be tolerated by in silico analysis. Since supporting evidence is limited at this time, the clinical significance of this alteration remains unclear.